The following is an entry in ClinVar:

NM_020911.2(PLXNA4):c.760G>T (p.Val254Phe)

Gene: PLXNA4 (plexin A4; minus strand). Cytogenetic location: 7q32.3.
Variant type: single nucleotide variant.
Coding change: c.760G>T on transcript NM_020911.2 (MANE Select); coding-DNA position 760, G replaced by T.
Protein change: p.Val254Phe; replaces valine 254 with phenylalanine.
Molecular consequence: missense variant.
Genome position (GRCh38, 1-based): chr7:132,507,934, C>A on the plus strand (G>T on the coding strand, the complement: PLXNA4 is on the minus strand). VCF-style: chr7-132507934-C-A. GRCh37 (hg19) VCF-style: chr7-132192693-C-A.
Other names: c.760G>T, p.Val254Phe (NM_001105543.2, NM_001393897.1, NM_181775.4); short protein forms V254F.
Identifiers: ClinVar variation 3348370 (VCV003348370.1).

ClinVar aggregate classification (germline): Uncertain significance (0 of 4 stars; one submission).

Conditions:
PLXNA4-related disorder. Also called: PLXNA4-related condition.

Submission:

PreventionGenetics, part of Exact Sciences
Classification: Uncertain significance for PLXNA4-related condition. Last evaluated: 2024-03-24. Review status: no assertion criteria provided. Collection method: clinical testing. Allele origin: germline.
Comment: The PLXNA4 c.760G>T variant is predicted to result in the amino acid substitution p.Val254Phe. To our knowledge, this variant has not been reported in the literature or in a large population database, indicating this variant is rare. At this time, the clinical significance of this variant is uncertain due to the absence of conclusive functional and genetic evidence.